The following is an entry in ClinVar:

NM_015450.3(POT1):c.755A>C (p.Asn252Thr)

Gene: POT1 (protection of telomeres 1; minus strand). Cytogenetic location: 7q31.33.
Variant type: single nucleotide variant.
Coding change: c.755A>C on transcript NM_015450.3 (MANE Select); coding-DNA position 755, A replaced by C.
Protein change: p.Asn252Thr; replaces asparagine 252 with threonine.
Molecular consequence: missense variant. On other transcripts: non-coding transcript variant (3).
Genome position (GRCh38, 1-based): chr7:124,853,086, T>G on the plus strand (A>C on the coding strand, the complement: POT1 is on the minus strand). VCF-style: chr7-124853086-T-G. GRCh37 (hg19) VCF-style: chr7-124493140-T-G.
Other names: c.362A>C, p.Asn121Thr (NM_001042594.2); short protein forms N252T, N121T.
Identifiers: ClinVar variation 659681 (VCV000659681.11), dbSNP rs1584765721, ClinGen allele CA369055607.

ClinVar aggregate classification (germline): Uncertain significance (1 of 4 stars; one submission).

Conditions:
Tumor predisposition syndrome 3 (TPDS3). Also called: Melanoma, cutaneous malignant, susceptibility to, 10; Glioma susceptibility 9; LONG TELOMERE SYNDROME, POT1-RELATED; POT1 Tumor Predisposition. Identifiers: Orphanet 618, MedGen C4014476, MONDO:0014368, OMIM 615848.

Submission:

Labcorp Genetics (formerly Invitae), Labcorp
Classification: Uncertain significance for Tumor predisposition syndrome 3. Last evaluated: 2019-10-19. Review status: criteria provided, single submitter. Criteria: Invitae Variant Classification Sherloc (09022015). Collection method: clinical testing. Allele origin: germline.
Comment: This sequence change replaces asparagine with threonine at codon 252 of the POT1 protein (p.Asn252Thr). The asparagine residue is moderately conserved and there is a small physicochemical difference between asparagine and threonine. This variant is not present in population databases (ExAC no frequency). This variant has not been reported in the literature in individuals with POT1-related conditions. Algorithms developed to predict the effect of missense changes on protein structure and function output the following: SIFT: "Tolerated"; PolyPhen-2: "Benign"; Align-GVGD: "Class C0". The threonine amino acid residue is found in multiple mammalian species, suggesting that this missense change does not adversely affect protein function. These predictions have not been confirmed by published functional studies and their clinical significance is uncertain. In summary, the available evidence is currently insufficient to determine the role of this variant in disease. Therefore, it has been classified as a Variant of Uncertain Significance.